The following is an entry in ClinVar:

NM_001267550.2(TTN):c.89252T>C (p.Ile29751Thr)

Genes: TTN (titin; minus strand), TTN-AS1 (TTN antisense RNA 1; plus strand). Cytogenetic location: 2q31.2.
Variant type: single nucleotide variant.
Coding change: c.89252T>C on transcript NM_001267550.2 (MANE Select); coding-DNA position 89252, T replaced by C.
Protein change: p.Ile29751Thr; replaces isoleucine 29751 with threonine.
Molecular consequence: missense variant.
Genome position (GRCh38, 1-based): chr2:178,553,753, A>G on the plus strand (T>C on the coding strand, the complement: TTN is on the minus strand). VCF-style: chr2-178553753-A-G. GRCh37 (hg19) VCF-style: chr2-179418480-A-G.
Other names: c.81548T>C, p.Ile27183Thr (NM_133378.4); c.84329T>C, p.Ile28110Thr (NM_001256850.1); c.62057T>C, p.Ile20686Thr (NM_003319.4); c.62432T>C, p.Ile20811Thr (NM_133432.3); c.62633T>C, p.Ile20878Thr (NM_133437.4); short protein forms I29751T, I27183T, I20878T, I28110T, I20686T, I20811T.
Identifiers: ClinVar variation 47487 (VCV000047487.5), dbSNP rs397517742, ClinGen allele CA141159.

ClinVar aggregate classification (germline): Uncertain significance (1 of 4 stars; one submission).

Allele frequency attached by ClinVar (database versions not stated): gnomAD exomes below 0.00001; gnomAD 0.00001; TOPMed 0.00002.
gnomAD v4.1: 2 of 1,610,382 alleles (0.00012%); highest among the groups gnomAD compares: Admixed American, 0.0033%; no homozygotes.

Submission:

Laboratory for Molecular Medicine, Mass General Brigham Personalized Medicine
Classification: Uncertain significance. Last evaluated: 2012-02-22. Review status: criteria provided, single submitter. Criteria: LMM Criteria. Collection method: clinical testing. Allele origin: germline. Observed: 1 variant allele.
Comment: The Ile27183Thr variant (TTN) has not been reported in the literature nor previo usly identified by our laboratory. Computational analyses (biochemical amino aci d properties, conservation, AlignGVGD, and SIFT) do not provide strong support f or or against and impact to the protein. Additional information is needed to ful ly assess the clinical significance of the Ile27183Thr variant.